The following is an entry in ClinVar:

NM_001170700.3(DTHD1):c.2128C>T (p.Leu710Phe)

Gene: DTHD1 (death domain containing 1; plus strand). Cytogenetic location: 4p14.
Variant type: single nucleotide variant.
Coding change: c.2128C>T on transcript NM_001170700.3 (MANE Select); coding-DNA position 2128, C replaced by T.
Protein change: p.Leu710Phe; replaces leucine 710 with phenylalanine.
Molecular consequence: missense variant. On other transcripts: non-coding transcript variant (2).
Genome position (GRCh38, 1-based): chr4:36,316,274, C>T. VCF-style: chr4-36316274-C-T. GRCh37 (hg19) VCF-style: chr4-36317896-C-T.
Other names: c.1753C>T (NM_001170700.1); c.1258C>T, p.Leu420Phe (NM_001136536.5); c.1195C>T, p.Leu399Phe (NM_001378435.1); short protein forms L399F, L420F, L710F.
Identifiers: ClinVar variation 3730270 (VCV003730270.3).

ClinVar aggregate classification (germline): Uncertain significance. Review status: criteria provided, multiple submitters, no conflicts (2 of 4 stars). 2 submissions from 2 submitters: Uncertain significance (2). Last evaluated 2025-03-27.

gnomAD v4.1: 31 of 1,551,484 alleles (0.002%); highest among the groups gnomAD compares: East Asian, 0.0049%; no homozygotes.

Submissions (2):

Ambry Genetics
Classification: Uncertain significance. Last evaluated: 2025-03-27. Review status: criteria provided, single submitter. Criteria: Ambry Variant Classification Scheme 2023. Collection method: clinical testing. Allele origin: germline.

Labcorp Genetics (formerly Invitae), Labcorp
Classification: Uncertain significance. Last evaluated: 2024-04-01. Review status: criteria provided, single submitter. Criteria: Invitae Variant Classification Sherloc (09022015). Collection method: clinical testing. Allele origin: germline.
Comment: This sequence change replaces leucine, which is neutral and non-polar, with phenylalanine, which is neutral and non-polar, at codon 420 of the DTHD1 protein (p.Leu420Phe). This variant is present in population databases (rs752773624, gnomAD 0.002%). This variant has not been reported in the literature in individuals affected with DTHD1-related conditions. An algorithm developed to predict the effect of missense changes on protein structure and function (PolyPhen-2) suggests that this variant is likely to be disruptive. In summary, the available evidence is currently insufficient to determine the role of this variant in disease. Therefore, it has been classified as a Variant of Uncertain Significance.